The following is an entry in ClinVar:

ClinVar aggregate classification (germline): Uncertain significance. Review status: criteria provided, multiple submitters, no conflicts (2 of 4 stars). 2 submissions from 2 submitters: Uncertain significance (2). Last evaluated 2024-05-23.

Conditions:
Inborn genetic diseases. Identifiers: MedGen C0950123, MeSH D030342.

Allele frequency attached by ClinVar (database versions not stated): gnomAD 0.00001; TOPMed 0.00001.
gnomAD v4.1: 2 of 1,600,686 alleles (0.00012%); highest among the groups gnomAD compares: Admixed American, 0.0017%; no homozygotes.

Submissions (2):

Ambry Genetics
Classification: Uncertain significance for Inborn genetic diseases. Last evaluated: 2024-05-23. Review status: criteria provided, single submitter. Criteria: Ambry Variant Classification Scheme 2023. Collection method: clinical testing. Allele origin: germline.

Labcorp Genetics (formerly Invitae), Labcorp
Classification: Uncertain significance. Last evaluated: 2024-02-17. Review status: criteria provided, single submitter. Criteria: Invitae Variant Classification Sherloc (09022015). Collection method: clinical testing. Allele origin: germline.
Comment: This sequence change replaces glutamic acid, which is acidic and polar, with lysine, which is basic and polar, at codon 1760 of the HSPG2 protein (p.Glu1760Lys). This variant is not present in population databases (gnomAD no frequency). This variant has not been reported in the literature in individuals affected with HSPG2-related conditions. ClinVar contains an entry for this variant (Variation ID: 1353424). An algorithm developed to predict the effect of missense changes on protein structure and function (PolyPhen-2) suggests that this variant is likely to be disruptive. In summary, the available evidence is currently insufficient to determine the role of this variant in disease. Therefore, it has been classified as a Variant of Uncertain Significance.

NM_005529.7(HSPG2):c.5278G>A (p.Glu1760Lys)

Gene: HSPG2 (heparan sulfate proteoglycan 2; minus strand). Cytogenetic location: 1p36.12.
Variant type: single nucleotide variant.
Coding change: c.5278G>A on transcript NM_005529.7 (MANE Select); coding-DNA position 5278, G replaced by A.
Protein change: p.Glu1760Lys; replaces glutamic acid 1760 with lysine.
Molecular consequence: missense variant.
Genome position (GRCh38, 1-based): chr1:21,859,581, C>T on the plus strand (G>A on the coding strand, the complement: HSPG2 is on the minus strand). VCF-style: chr1-21859581-C-T. GRCh37 (hg19) VCF-style: chr1-22186074-C-T.
Other names: c.5281G>A, p.Glu1761Lys (NM_001291860.2); c.5278G>A (NM_005529.5); short protein forms E1760K, E1761K.
Identifiers: ClinVar variation 1353424 (VCV001353424.8), dbSNP rs1021960289, ClinGen allele CA19129561.